The following is an entry in ClinVar:

NM_024678.6(NARS2):c.545T>C (p.Ile182Thr)

Gene: NARS2 (asparaginyl-tRNA synthetase 2, mitochondrial; minus strand). Cytogenetic location: 11q14.1.
Variant type: single nucleotide variant.
Coding change: c.545T>C on transcript NM_024678.6 (MANE Select); coding-DNA position 545, T replaced by C.
Protein change: p.Ile182Thr; replaces isoleucine 182 with threonine.
Molecular consequence: missense variant. On other transcripts: 5 prime UTR variant (6), non-coding transcript variant (4), intron variant (2).
Genome position (GRCh38, 1-based): chr11:78,559,588, A>G on the plus strand (T>C on the coding strand, the complement: NARS2 is on the minus strand). VCF-style: chr11-78559588-A-G. GRCh37 (hg19) VCF-style: chr11-78270634-A-G.
Other names: c.-137T>C (NM_001243251.2, NM_001425310.1, NM_001425313.1 and 1 more transcripts); c.545T>C, p.Ile182Thr (NM_001425299.1, NM_001425300.1, NM_001425301.1 and 5 more transcripts); c.314T>C, p.Ile105Thr (NM_001425308.1); c.-12T>C (NM_001425311.1); c.-209T>C (NM_001425312.1); c.513+6544T>C (NM_001425303.1, NM_001425302.1); short protein forms I105T, I182T.
Identifiers: ClinVar variation 4856370 (VCV004856370.2).

ClinVar aggregate classification (germline): Uncertain significance. Review status: criteria provided, multiple submitters, no conflicts (2 of 4 stars). 2 submissions from 2 submitters: Uncertain significance (2). Last evaluated 2025-12-29.

Conditions:
Combined oxidative phosphorylation defect type 24. Also called: Combined oxidative phosphorylation deficiency 24. Identifiers: Orphanet 444458, MedGen C4015643, MONDO:0014547, OMIM 616239.

gnomAD v4.1: 6 of 1,613,292 alleles (0.00037%); highest among the groups gnomAD compares: South Asian, 0.0022%; no homozygotes.

Submissions (2):

3billion
Classification: Uncertain significance for Combined oxidative phosphorylation defect type 24. Last evaluated: 2025-12-29. Review status: criteria provided, single submitter. Criteria: ACMG Guidelines, 2015. Collection method: clinical testing. Allele origin: germline. Affected: yes.
Comment: The variant is observed at an extremely low frequency in the gnomAD v4.1.0 dataset (total allele frequency: <0.001%). Predicted Consequence/Location: Missense variant. The majority of the known disease-causing variants of this gene are variants expected to result in premature termination of the protein. In silico tool predictions suggest damaging effect of the variant on gene or gene product [REVEL: 0.72 (>=0.6, sensitivity 0.68 and specificity 0.92); 3Cnet: 0.72 (> 0.75, sensitivity 0.96 and precision 0.92)]. A different missense change at the same codon (p.Ile182Lys) has been reported to be associated with NARS2-related disorder (ClinVar ID: VCV000872894 /PMID: 34374940). However the evidence of pathogenicity is insufficient at this time. Therefore, this variant is classified as VUS according to the recommendation of ACMG/AMP guideline.

Blueprint Genetics
Classification: Uncertain significance. Last evaluated: 2022-12-30. Review status: criteria provided, single submitter. Criteria: ACMG Guidelines, 2015. Collection method: clinical testing. Allele origin: germline.

Literature cited by the submitters: PubMed 34374940 (cited by 3billion).